The following is an entry in ClinVar:

ClinVar aggregate classification (germline): Uncertain significance. Review status: criteria provided, multiple submitters, no conflicts (2 of 4 stars). 2 submissions from 2 submitters: Uncertain significance (2). Last evaluated 2025-01-27.

Conditions:
Shwachman-Diamond syndrome 1 (SDS1). Also called: LIPOMATOSIS OF PANCREAS, CONGENITAL. Identifiers: MedGen C4692625, MONDO:0044204, OMIM 260400.
Aplastic anemia. Identifiers: Orphanet 182040, Orphanet 88, MedGen C0002874, MONDO:0015909, OMIM 609135, HP:0001915.
Inborn genetic diseases. Identifiers: MedGen C0950123, MeSH D030342.

Allele frequency attached by ClinVar (database versions not stated): gnomAD exomes 0.00002 and 0.00001; ExAC 0.00003.
gnomAD v4.1: 11 of 1,614,080 alleles (0.00068%); highest among the groups gnomAD compares: South Asian, 0.012%; no homozygotes.

Submissions (2):

Ambry Genetics
Classification: Uncertain significance for Inborn genetic diseases. Last evaluated: 2025-01-27. Review status: criteria provided, single submitter. Criteria: Ambry Variant Classification Scheme 2023. Collection method: clinical testing. Allele origin: germline.
Comment: The p.V58A variant (also known as c.173T>C), located in coding exon 2 of the SBDS gene, results from a T to C substitution at nucleotide position 173. The valine at codon 58 is replaced by alanine, an amino acid with similar properties. This amino acid position is conserved. In addition, the in silico prediction for this alteration is inconclusive. Based on the available evidence, the clinical significance of this variant remains unclear.

Center for Genomics, Ann and Robert H. Lurie Children's Hospital of Chicago
Classification: Uncertain significance for Shwachman-Diamond syndrome 1; Aplastic anemia. Review status: criteria provided, single submitter. Criteria: ACMG Guidelines, 2015. Collection method: clinical testing. Allele origin: germline.
Comment: SBDS NM_016038.3 exon 2 p.Val58Ala (c.173T>C): This variant has not been reported in the literature and is not present in large control databases. Evolutionary conservation and computational predictive tools for this variant are unclear. In summary, data on this variant is insufficient for disease classification. Therefore, the clinical significance of this variant is uncertain.

NM_016038.4(SBDS):c.173T>C (p.Val58Ala)

Gene: SBDS (SBDS ribosome maturation factor; minus strand). Cytogenetic location: 7q11.21.
Variant type: single nucleotide variant.
Coding change: c.173T>C on transcript NM_016038.4 (MANE Select); coding-DNA position 173, T replaced by C.
Protein change: p.Val58Ala; replaces valine 58 with alanine.
Molecular consequence: missense variant.
Genome position (GRCh38, 1-based): chr7:66,994,297, A>G on the plus strand (T>C on the coding strand, the complement: SBDS is on the minus strand). VCF-style: chr7-66994297-A-G. GRCh37 (hg19) VCF-style: chr7-66459284-A-G.
Other names: c.173T>C (NM_016038.2); short protein forms V58A.
Identifiers: ClinVar variation 1675126 (VCV001675126.6), dbSNP rs747222022, ClinGen allele CA4279227.